The following is an entry in ClinVar:

NM_020822.3(KCNT1):c.1685A>G (p.Tyr562Cys)

Gene: KCNT1 (potassium sodium-activated channel subfamily T member 1; plus strand). Cytogenetic location: 9q34.3.
Variant type: single nucleotide variant.
Coding change: c.1685A>G on transcript NM_020822.3 (MANE Select); coding-DNA position 1685, A replaced by G.
Protein change: p.Tyr562Cys; replaces tyrosine 562 with cysteine.
Molecular consequence: missense variant.
Genome position (GRCh38, 1-based): chr9:135,770,363, A>G. VCF-style: chr9-135770363-A-G. GRCh37 (hg19) VCF-style: chr9-138662209-A-G.
Other names: c.1550A>G, p.Tyr517Cys (NM_001272003.2); short protein forms Y517C, Y562C.
Identifiers: ClinVar variation 1038964 (VCV001038964.11), dbSNP rs1832668143, ClinGen allele CA375506467.

ClinVar aggregate classification (germline): Uncertain significance (1 of 4 stars; one submission).

Conditions:
Autosomal dominant nocturnal frontal lobe epilepsy 5. Also called: KCNT1-Related Epilepsy; CILIARY DYSKINESIA, PRIMARY, 28, WITHOUT SITUS INVERSUS; CILIARY DYSKINESIA, PRIMARY, 28, WITH SITUS INVERSUS; Epilepsy, nocturnal frontal lobe, 5. Identifiers: Orphanet 98784, MedGen C3554306, MONDO:0014002, OMIM 615005.
Developmental and epileptic encephalopathy, 14 (DEE14). Also called: Early infantile epileptic encephalopathy 14. Identifiers: Orphanet 293181, MedGen C3554195, MONDO:0013989, OMIM 614959.

Submission:

Labcorp Genetics (formerly Invitae), Labcorp
Classification: Uncertain significance for Autosomal dominant nocturnal frontal lobe epilepsy 5; Developmental and epileptic encephalopathy, 14. Last evaluated: 2025-02-10. Review status: criteria provided, single submitter. Criteria: Invitae Variant Classification Sherloc (09022015). Collection method: clinical testing. Allele origin: germline.
Comment: This sequence change replaces tyrosine, which is neutral and polar, with cysteine, which is neutral and slightly polar, at codon 562 of the KCNT1 protein (p.Tyr562Cys). This variant is not present in population databases (gnomAD no frequency). This variant has not been reported in the literature in individuals affected with KCNT1-related conditions. ClinVar contains an entry for this variant (Variation ID: 1038964). Invitae Evidence Modeling of protein sequence and biophysical properties (such as structural, functional, and spatial information, amino acid conservation, physicochemical variation, residue mobility, and thermodynamic stability) indicates that this missense variant is expected to disrupt KCNT1 protein function with a positive predictive value of 80%. In summary, the available evidence is currently insufficient to determine the role of this variant in disease. Therefore, it has been classified as a Variant of Uncertain Significance.